The following is an entry in ClinVar:

ClinVar aggregate classification (germline): Pathogenic/Likely pathogenic. Review status: criteria provided, multiple submitters, no conflicts (2 of 4 stars). 2 submissions from 2 submitters: Pathogenic (1); Likely pathogenic (1). Last evaluated 2024-08-30.

Conditions:
RP2-related disorder. Also called: RP2-related condition.

Submissions (2):

Blueprint Genetics
Classification: Likely pathogenic for RP2-related disorders. Last evaluated: 2024-08-30. Review status: criteria provided, single submitter. Criteria: ACMG Guidelines, 2015. Collection method: clinical testing. Allele origin: germline. Affected: yes. Observed: 1 variant allele.

Labcorp Genetics (formerly Invitae), Labcorp
Classification: Pathogenic. Last evaluated: 2023-06-20. Review status: criteria provided, single submitter. Criteria: Invitae Variant Classification Sherloc (09022015). Collection method: clinical testing. Allele origin: germline.
Comment: This sequence change creates a premature translational stop signal (p.Lys7Glufs*5) in the RP2 gene. It is expected to result in an absent or disrupted protein product. Loss-of-function variants in RP2 are known to be pathogenic (PMID: 11992260, 20625056). This variant is not present in population databases (gnomAD no frequency). This variant has not been reported in the literature in individuals affected with RP2-related conditions. ClinVar contains an entry for this variant (Variation ID: 1355925). For these reasons, this variant has been classified as Pathogenic.

Literature cited by the submitters: PubMed 11992260 (cited by Labcorp Genetics (formerly Invitae), Labcorp); PubMed 20625056 (cited by Labcorp Genetics (formerly Invitae), Labcorp).

NM_006915.3(RP2):c.19_20del (p.Lys7fs)

Genes: RP2 (RP2 activator of ARL3 GTPase; plus strand), LOC130068202 (ATAC-STARR-seq lymphoblastoid active region 29577; plus strand). Cytogenetic location: Xp11.3.
Variant type: Deletion.
Coding change: c.19_20del on transcript NM_006915.3 (MANE Select); coding-DNA positions 19 to 20, 2 bases deleted (AA; older notation c.19_20delAA).
Protein change: p.Lys7fs; shifts the reading frame from lysine 7.
Molecular consequence: frameshift variant.
Genome position (GRCh38, 1-based): chrX:46,837,119-46,837,120, AA deleted. VCF-style (leftmost placement, unchanged base first): chrX-46837118-CAA-C. GRCh37 (hg19) VCF-style: chrX-46696553-CAA-C.
Other names: short protein forms K7fs.
Identifiers: ClinVar variation 1355925 (VCV001355925.7), dbSNP rs2147074624, ClinGen allele CA2573158911.